The following is an entry in ClinVar:

ClinVar aggregate classification (germline): Uncertain significance. Review status: criteria provided, multiple submitters, no conflicts (2 of 4 stars). 3 submissions from 3 submitters: Uncertain significance (2). 1 of the submissions does not count toward it. Last evaluated 2024-02-24.

Conditions:
Usher syndrome type 1B (USH1B). Also called: Usher syndrome type IB. Identifiers: MedGen C1848638, MONDO:0700087.

Allele frequency attached by ClinVar (database versions not stated): gnomAD exomes below 0.00001; TOPMed below 0.00001.
gnomAD v4.1: 4 of 1,597,004 alleles (0.00025%); highest among the groups gnomAD compares: African/African-American, 0.0027%; no homozygotes.

Submissions (3):

Labcorp Genetics (formerly Invitae), Labcorp
Classification: Uncertain significance. Last evaluated: 2024-02-24. Review status: criteria provided, single submitter. Criteria: Invitae Variant Classification Sherloc (09022015). Collection method: clinical testing. Allele origin: germline.
Comment: This sequence change replaces lysine, which is basic and polar, with glutamic acid, which is acidic and polar, at codon 916 of the MYO7A protein (p.Lys916Glu). This variant is present in population databases (no rsID available, gnomAD 0.008%). This variant has not been reported in the literature in individuals affected with MYO7A-related conditions. ClinVar contains an entry for this variant (Variation ID: 1053064). Advanced modeling of protein sequence and biophysical properties (such as structural, functional, and spatial information, amino acid conservation, physicochemical variation, residue mobility, and thermodynamic stability) performed at Invitae indicates that this missense variant is not expected to disrupt MYO7A protein function with a negative predictive value of 95%. In summary, the available evidence is currently insufficient to determine the role of this variant in disease. Therefore, it has been classified as a Variant of Uncertain Significance.

Blueprint Genetics
Classification: Uncertain significance. Last evaluated: 2020-03-25. Review status: criteria provided, single submitter. Criteria: ACMG Guidelines, 2015. Collection method: clinical testing. Allele origin: germline.

Natera, Inc.
Classification: Uncertain significance for Usher syndrome type 1B. Last evaluated: 2021-04-10. Review status: no assertion criteria provided. Collection method: clinical testing. Allele origin: germline. Not counted in ClinVar's aggregate classification.

NM_000260.4(MYO7A):c.2746A>G (p.Lys916Glu)

Gene: MYO7A (myosin VIIA; plus strand). Cytogenetic location: 11q13.5.
Variant type: single nucleotide variant.
Coding change: c.2746A>G on transcript NM_000260.4 (MANE Select); coding-DNA position 2746, A replaced by G.
Protein change: p.Lys916Glu; replaces lysine 916 with glutamic acid.
Molecular consequence: missense variant.
Genome position (GRCh38, 1-based): chr11:77,181,431, A>G. VCF-style: chr11-77181431-A-G. GRCh37 (hg19) VCF-style: chr11-76892477-A-G.
Other names: c.2746A>G, p.Lys916Glu (NM_001127180.2); c.2713A>G, p.Lys905Glu (NM_001369365.1); short protein forms K905E, K916E.
Identifiers: ClinVar variation 1053064 (VCV001053064.12), dbSNP rs1555084090, ClinGen allele CA381942741.